The following is an entry in ClinVar:

NM_080669.6(SLC46A1):c.*1332G>A

Genes: SARM1 (sterile alpha and TIR motif containing 1; plus strand), SLC46A1 (solute carrier family 46 member 1; minus strand). Cytogenetic location: 17q11.2.
Variant type: single nucleotide variant.
Coding change: c.*1332G>A on transcript NM_080669.6 (MANE Select); 1332 bases downstream of the stop codon, G replaced by A.
Molecular consequence: 3 prime UTR variant.
Genome position (GRCh38, 1-based): chr17:28,398,324, C>T on the plus strand (G>A on the coding strand, the complement: SLC46A1 is on the minus strand). VCF-style: chr17-28398324-C-T. GRCh37 (hg19) VCF-style: chr17-26725340-C-T.
Other names: c.*1332G>A (NM_001242366.3); c.*2038C>T (NM_015077.4).
Identifiers: ClinVar variation 322386 (VCV000322386.5), dbSNP rs146041886, ClinGen allele CA10639245.
Genomic context (GRCh38, chr17:28,398,324, plus strand): 5'-GGTATACCCTCCACTGTTGTCCACTGCCCTGTGTGGCCTTCTGGTTGACCTCTGCCCGAT[C>T]TTCTGTCTCTCTGAGGGAATCAGAGTCCAGCATCCAGCCCCAGCTGGAACAGCTGAAGTC-3'

ClinVar aggregate classification (germline): Likely benign (1 of 4 stars; one submission).

Conditions:
Congenital defect of folate absorption. Also called: Hereditary Folate Malabsorption. Identifiers: Orphanet 90045, MedGen C0342705, MONDO:0009238, OMIM 229050.

Allele frequency attached by ClinVar (database versions not stated): gnomAD 0.00101 and 0.00176; TOPMed 0.00128; 1000 Genomes Project 0.00280; 1000 Genomes Project 30x 0.00281; gnomAD exomes 0.00917.
gnomAD v4.1: 273 of 152,572 alleles (0.18%); highest among the groups gnomAD compares: South Asian, 2.4%; 4 homozygotes.

Submission:

Illumina Laboratory Services, Illumina
Classification: Likely benign for Congenital defect of folate absorption. Last evaluated: 2018-01-13. Review status: criteria provided, single submitter. Criteria: ICSL Variant Classification Criteria 13 December 2019. Collection method: clinical testing. Allele origin: germline.
Comment: This variant was observed in the ICSL laboratory as part of a predisposition screen in an ostensibly healthy population. It had not been previously curated by ICSL or reported in the Human Gene Mutation Database (HGMD: prior to June 1st, 2018), and was therefore a candidate for classification through an automated scoring system. Utilizing variant allele frequency, disease prevalence and penetrance estimates, and inheritance mode, an automated score was calculated to assess if this variant is too frequent to cause the disease. Based on the score and internal cut-off values, a variant classified as likely benign is not then subjected to further curation. The score for this variant resulted in a classification of likely benign for this disease.